The following is an entry in ClinVar:

NM_080680.3(COL11A2):c.1825C>T (p.Arg609Ter)

Gene: COL11A2 (collagen type XI alpha 2 chain; minus strand). Cytogenetic location: 6p21.32.
Variant type: single nucleotide variant.
Coding change: c.1825C>T on transcript NM_080680.3 (MANE Select); coding-DNA position 1825, C replaced by T.
Protein change: p.Arg609Ter; replaces arginine 609 with a stop codon.
Molecular consequence: nonsense.
Genome position (GRCh38, 1-based): chr6:33,178,179, G>A on the plus strand (C>T on the coding strand, the complement: COL11A2 is on the minus strand). VCF-style: chr6-33178179-G-A. GRCh37 (hg19) VCF-style: chr6-33145956-G-A.
Other names: c.1567C>T, p.Arg523Ter (NM_080681.3); c.1645C>T, p.Arg549Ter (NM_001424108.1); c.979C>T, p.Arg327Ter (NM_001424109.1); c.799C>T, p.Arg267Ter (NM_001424110.1, NM_001424111.1); c.1504C>T, p.Arg502Ter (NM_080679.3); short protein forms R267*, R502*, R549*, R609*, R327*, R523*.
Identifiers: ClinVar variation 3676630 (VCV003676630.2).

ClinVar aggregate classification (germline): Pathogenic (1 of 4 stars; one submission).

gnomAD v4.1: 5 of 1,611,774 alleles (0.00031%); highest among the groups gnomAD compares: Non-Finnish European, 0.00042%; no homozygotes.

Submission:

Labcorp Genetics (formerly Invitae), Labcorp
Classification: Pathogenic. Last evaluated: 2025-01-23. Review status: criteria provided, single submitter. Criteria: Invitae Variant Classification Sherloc (09022015). Collection method: clinical testing. Allele origin: germline.
Comment: This sequence change creates a premature translational stop signal (p.Arg609*) in the COL11A2 gene. It is expected to result in an absent or disrupted protein product. Loss-of-function variants in COL11A2 are known to be pathogenic (PMID: 10677296, 21204229). This variant is not present in population databases (gnomAD no frequency). This variant has not been reported in the literature in individuals affected with COL11A2-related conditions. Algorithms developed to predict the effect of sequence changes on RNA splicing suggest that this variant may disrupt the consensus splice site. For these reasons, this variant has been classified as Pathogenic.

Literature cited by the submitters: PubMed 10677296; PubMed 21204229.